The following is an entry in ClinVar:

ClinVar aggregate classification (germline): Conflicting classifications of pathogenicity. Review status: criteria provided, conflicting classifications (1 of 4 stars). 3 submissions from 3 submitters: Uncertain significance (2); Likely benign (1). Last evaluated 2026-01-05.

Conditions:
Cardiovascular phenotype. Identifiers: MedGen CN230736.
Long QT syndrome (LQTS). Identifiers: MedGen C0023976, MeSH D008133, MONDO:0002442. Disease mechanism: loss of function. Inheritance: Various modes of inheritance.

Allele frequency attached by ClinVar (database versions not stated): gnomAD exomes below 0.00001 and 0.00001; ExAC 0.00001; gnomAD 0.00001; TOPMed 0.00001.
gnomAD v4.1: 5 of 1,613,926 alleles (0.00031%); highest among the groups gnomAD compares: East Asian, 0.0067%; no homozygotes.

Submissions (3):

Labcorp Genetics (formerly Invitae), Labcorp
Classification: Uncertain significance for Long QT syndrome. Last evaluated: 2026-01-05. Review status: criteria provided, single submitter. Criteria: Invitae Variant Classification Sherloc (09022015). Collection method: clinical testing. Allele origin: germline.
Comment: This sequence change replaces aspartic acid, which is acidic and polar, with histidine, which is basic and polar, at codon 2802 of the ANK2 protein (p.Asp2802His). This variant is present in population databases (rs780423161, gnomAD 0.006%). This missense change has been observed in individual(s) with clinical features of long QT syndrome (PMID: 30036649). ClinVar contains an entry for this variant (Variation ID: 526923). An algorithm developed to predict the effect of missense changes on protein structure and function (PolyPhen-2) suggests that this variant is likely to be tolerated. In summary, the available evidence is currently insufficient to determine the role of this variant in disease. Therefore, it has been classified as a Variant of Uncertain Significance.

Blueprint Genetics
Classification: Uncertain significance. Last evaluated: 2024-04-29. Review status: criteria provided, single submitter. Criteria: ACMG Guidelines, 2015. Collection method: clinical testing. Allele origin: germline.

Ambry Genetics
Classification: Likely benign for Cardiovascular phenotype. Last evaluated: 2019-12-27. Review status: criteria provided, single submitter. Criteria: Ambry Variant Classification Scheme 2023. Collection method: clinical testing. Allele origin: germline.

Literature cited by the submitters: PubMed 30036649 (cited by Labcorp Genetics (formerly Invitae), Labcorp and Ambry Genetics).

NM_001148.6(ANK2):c.8404G>C (p.Asp2802His)

Gene: ANK2 (ankyrin 2; plus strand). Cytogenetic location: 4q26.
Variant type: single nucleotide variant.
Coding change: c.8404G>C on transcript NM_001148.6 (MANE Select); coding-DNA position 8404, G replaced by C.
Protein change: p.Asp2802His; replaces aspartic acid 2802 with histidine.
Molecular consequence: missense variant. On other transcripts: intron variant (68).
Genome position (GRCh38, 1-based): chr4:113,357,022, G>C. VCF-style: chr4-113357022-G-C. GRCh37 (hg19) VCF-style: chr4-114278178-G-C.
Other names: c.8170G>C, p.Asp2724His (NM_001386142.1); c.4804G>C, p.Asp1602His (NM_001386166.1); c.8545G>C, p.Asp2849His (NM_001386174.1); c.8521G>C, p.Asp2841His (NM_001386175.1); c.4412-3801G>C (NM_001386186.2, NM_001386148.2); c.4214-3801G>C (NM_001354269.3); c.4292-3801G>C (NM_001386187.2); c.4253-3801G>C (NM_001386147.1); and 35 more; short protein forms D2802H, D1602H, D2724H, D2841H, D2849H.
Identifiers: ClinVar variation 526923 (VCV000526923.8), dbSNP rs780423161, ClinGen allele CA3051766.
Genomic context (GRCh38, chr4:113,357,022, plus strand): 5'-CCTAGCAGCTCAGCTGCTCCTGTCTCTTCAGGTCTACAGAGTCCGACTGGTGATGATGTT[G>C]ATGAACAGCCAGTCATCTATAAAGAATCATTAGCTCTCCAAGGCACTCATGAAAAAGACA-3'
Protein context (NP_001139.3, residues 2792-2812): GLQSPTGDDV[Asp2802His]EQPVIYKESL